The following is an entry in ClinVar:

NC_000023.10:g.(154091503_154124351)_(154250999_?)del

Genes: F8 (coagulation factor VIII; minus strand), F8A1 (coagulation factor VIII associated 1; plus strand), H2AB1 (H2A.B variant histone 1; plus strand). Cytogenetic location: Xq28.
Variant type: Deletion.
Identifiers: ClinVar variation 3339082 (VCV003339082.1).

ClinVar aggregate classification (germline): Pathogenic (1 of 4 stars; one submission).

Conditions:
Hereditary factor VIII deficiency disease (HEMA). Also called: HEMOPHILIA, CLASSIC; AUTOSOMAL HEMOPHILIA A; Hemophilia A; Hemophilia A, congenital; HEM A; Factor 8 deficiency, congenital. Identifiers: Orphanet 98878, MedGen C0019069, MONDO:0010602, OMIM 306700.

Submission:

Women's Health and Genetics/Laboratory Corporation of America, LabCorp
Classification: Pathogenic for Hereditary factor VIII deficiency disease. Last evaluated: 2024-07-08. Review status: criteria provided, single submitter. Criteria: LabCorp Variant Classification Summary - May 2015. Collection method: clinical testing. Allele origin: germline.
Comment: Variant summary: The variant involves the deletion of exons 1-22 in the F8 gene. The exact breakpoint at the 5' end of this variant is unknown, therefore this deletion may extend upstream of the annotated region of this gene. Although the exact breakpoints of this deletion are not known, it is predicted to remove the initiation codon and result in an absence of protein or a truncation of the encoded protein due to translation initiation at a downstream site. A presumed nomenclature of c.(?_-172)_(6429+1_6430-1)del has been designated for the purposes of this classification. The variant was absent in 16120 control chromosomes. c.(?_-172)_(6429+1_6430-1)del has been reported in the literature in individuals affected with Factor VIII Deficiency (Hemophilia A) (examples:Fujita_2012, Ma_2008, Johnson_2017). These data indicate that the variant is likely to be associated with disease. The following publications have been ascertained in the context of this evaluation (PMID: 22906111 , 18371163, 29296726). ClinVar contains an entry for this variant (Variation ID: 253454). Based on the evidence outlined above, the variant was classified as pathogenic.

Literature cited by the submitters: PubMed 29296726; PubMed 22906111; PubMed 18371163.